The following is an entry in ClinVar:

NM_016507.4(CDK12):c.679T>C (p.Trp227Arg)

Genes: CDK12 (cyclin dependent kinase 12; plus strand), LOC126862553 (CDK7 strongly-dependent group 2 enhancer GRCh37_chr17:37618166-37619365; plus strand). Cytogenetic location: 17q12.
Variant type: single nucleotide variant.
Coding change: c.679T>C on transcript NM_016507.4 (MANE Select); coding-DNA position 679, T replaced by C.
Protein change: p.Trp227Arg; replaces tryptophan 227 with arginine.
Molecular consequence: missense variant.
Genome position (GRCh38, 1-based): chr17:39,462,750, T>C. VCF-style: chr17-39462750-T-C. GRCh37 (hg19) VCF-style: chr17-37619003-T-C.
Other names: c.679T>C, p.Trp227Arg (NM_015083.4); short protein forms W227R.
Identifiers: ClinVar variation 4651352 (VCV004651352.1).
Genomic context (GRCh38, chr17:39,462,750, plus strand): 5'-CCCAAAAGTTACAAAACAGTGGACAGCCCAAAACGGAGATCCAGGAGCCCCCACAGGAAG[T>C]GGTCTGACAGCTCCAAACAAGATGATAGCCCCTCGGGAGCTTCTTATGGCCAAGATTATG-3'
Protein context (NP_057591.2, residues 217-237): KRRSRSPHRK[Trp227Arg]SDSSKQDDSP

ClinVar aggregate classification (germline): Uncertain significance (1 of 4 stars; one submission).

Submission:

Ambry Genetics
Classification: Uncertain significance. Last evaluated: 2025-10-03. Review status: criteria provided, single submitter. Criteria: Ambry Variant Classification Scheme 2023. Collection method: clinical testing. Allele origin: germline.
Comment: The p.W227R variant (also known as c.679T>C), located in coding exon 1 of the CDK12 gene, results from a T to C substitution at nucleotide position 679. The tryptophan at codon 227 is replaced by arginine, an amino acid with dissimilar properties. This amino acid position is conserved. In addition, this alteration is predicted to be tolerated by in silico analysis. Based on the available evidence, the clinical significance of this variant remains unclear.